The following is an entry in ClinVar:

ClinVar aggregate classification (germline): Likely pathogenic (1 of 4 stars; one submission).

Conditions:
Combined oxidative phosphorylation deficiency 39. Identifiers: Orphanet 565624, MedGen C5193075, MONDO:0032726, OMIM 618397.

gnomAD v4.1: 22 of 1,608,904 alleles (0.0014%); highest among the groups gnomAD compares: East Asian, 0.0022%; no homozygotes.

Submission:

First Genomix Gene Laboratory, Genetic Diagnostics Department
Classification: Likely pathogenic for Combined oxidative phosphorylation deficiency 39. Last evaluated: 2025-03-20. Review status: criteria provided, single submitter. Criteria: ACMG Guidelines, 2015. Collection method: clinical testing. Allele origin: germline. Inheritance: Autosomal recessive inheritance. Affected: no. Observed: 1 variant allele.

NM_032380.5(GFM2):c.349C>T (p.Arg117Ter)

Gene: GFM2 (GTP dependent ribosome recycling factor mitochondrial 2; minus strand). Cytogenetic location: 5q13.3.
Variant type: single nucleotide variant.
Coding change: c.349C>T on transcript NM_032380.5 (MANE Select); coding-DNA position 349, C replaced by T.
Protein change: p.Arg117Ter; replaces arginine 117 with a stop codon.
Molecular consequence: nonsense. On other transcripts: non-coding transcript variant (1).
Genome position (GRCh38, 1-based): chr5:74,751,449, G>A on the plus strand (C>T on the coding strand, the complement: GFM2 is on the minus strand). VCF-style: chr5-74751449-G-A. GRCh37 (hg19) VCF-style: chr5-74047274-G-A.
Other names: c.445C>T, p.Arg149Ter (NM_001281302.2); c.349C>T, p.Arg117Ter (NM_170681.3, NM_170691.3); short protein forms R117*, R149*.
Identifiers: ClinVar variation 4845765 (VCV004845765.1).